The following is an entry in ClinVar:

NM_005751.5(AKAP9):c.4339-4T>C

Gene: AKAP9 (A-kinase anchoring protein 9; plus strand). Cytogenetic location: 7q21.2.
Variant type: single nucleotide variant.
Coding change: c.4339-4T>C on transcript NM_005751.5 (MANE Select); 4 bases into the intron before coding-DNA position 4339, T replaced by C.
Molecular consequence: intron variant.
Genome position (GRCh38, 1-based): chr7:92,038,415, T>C. VCF-style: chr7-92038415-T-C. GRCh37 (hg19) VCF-style: chr7-91667729-T-C.
Other names: c.4339-4T>C (NM_147185.3).
Identifiers: ClinVar variation 1739833 (VCV001739833.2), dbSNP rs1008912458, ClinGen allele CA161895479.

ClinVar aggregate classification (germline): Uncertain significance (1 of 4 stars; one submission).

Conditions:
Cardiovascular phenotype. Identifiers: MedGen CN230736.

Allele frequency attached by ClinVar (database versions not stated): gnomAD 0.00001; TOPMed 0.00003.
gnomAD v4.1: 2 of 1,603,552 alleles (0.00012%); highest among the groups gnomAD compares: Admixed American, 0.0017%; no homozygotes.

Submission:

Ambry Genetics
Classification: Uncertain significance for Cardiovascular phenotype. Last evaluated: 2021-11-19. Review status: criteria provided, single submitter. Criteria: Ambry Variant Classification Scheme 2023. Collection method: clinical testing. Allele origin: germline.
Comment: The c.4339-4T>C intronic variant results from a T to C substitution 4 nucleotides upstream from coding exon 17 in the AKAP9 gene. This nucleotide position is well conserved in available vertebrate species. In silico splice site analysis predicts that this alteration will not have any significant effect on splicing. The evidence for this gene-disease relationship is limited; therefore, the clinical significance of this alteration is unclear.